The following is an entry in ClinVar:

NM_000168.6(GLI3):c.2006C>T (p.Thr669Ile)

Gene: GLI3 (GLI family zinc finger 3; minus strand). Cytogenetic location: 7p14.1.
Variant type: single nucleotide variant.
Coding change: c.2006C>T on transcript NM_000168.6 (MANE Select); coding-DNA position 2006, C replaced by T.
Protein change: p.Thr669Ile; replaces threonine 669 with isoleucine.
Molecular consequence: missense variant.
Genome position (GRCh38, 1-based): chr7:41,972,434, G>A on the plus strand (C>T on the coding strand, the complement: GLI3 is on the minus strand). VCF-style: chr7-41972434-G-A. GRCh37 (hg19) VCF-style: chr7-42012033-G-A.
Other names: short protein forms T669I.
Identifiers: ClinVar variation 383081 (VCV000383081.16), dbSNP rs139108417, ClinGen allele CA4230707.

ClinVar aggregate classification (germline): Likely benign. Review status: criteria provided, multiple submitters, no conflicts (2 of 4 stars). 4 submissions from 4 submitters: Likely benign (4). Last evaluated 2025-12-16.

Conditions:
Greig cephalopolysyndactyly syndrome (GCPS). Also called: Greig syndrome; POLYSYNDACTYLY WITH PECULIAR SKULL SHAPE; GLI3-Related Greig Cephalopolysyndactyly Syndrome. Identifiers: Orphanet 380, MedGen C0265306, MONDO:0008287, OMIM 175700.
Pallister-Hall syndrome (PHS). Also called: GLI3-Related Pallister-Hall Syndrome; HYPOTHALAMIC HAMARTOBLASTOMA, HYPOPITUITARISM, IMPERFORATE ANUS, AND POSTAXIAL POLYDACTYLY. Identifiers: Orphanet 672, MedGen C0265220, MONDO:0007804, OMIM 146510.

Allele frequency attached by ClinVar (database versions not stated): gnomAD exomes 0.00007 and 0.00015; ExAC 0.00016; ESP Exome Variant Server 0.00046; gnomAD 0.00058 and 0.00061; TOPMed 0.00064; 1000 Genomes Project 0.00120; 1000 Genomes Project 30x 0.00141.
gnomAD v4.1: 195 of 1,613,830 alleles (0.012%); highest among the groups gnomAD compares: African/African-American, 0.23%; 1 homozygote.

Submissions (4):

Labcorp Genetics (formerly Invitae), Labcorp
Classification: Likely benign for Pallister-Hall syndrome; Greig cephalopolysyndactyly syndrome. Last evaluated: 2025-12-16. Review status: criteria provided, single submitter. Criteria: Invitae Variant Classification Sherloc (09022015). Collection method: clinical testing. Allele origin: germline.

Blueprint Genetics
Classification: Likely benign. Last evaluated: 2024-08-22. Review status: criteria provided, single submitter. Criteria: ACMG Guidelines, 2015. Collection method: clinical testing. Allele origin: germline.

GeneDx
Classification: Likely benign. Last evaluated: 2021-06-08. Review status: criteria provided, single submitter. Criteria: GeneDx Variant Classification Process June 2021. Collection method: clinical testing. Allele origin: germline. Affected: yes.
Comment: This variant is associated with the following publications: (PMID: 23028188)

Eurofins Ntd Llc (ga)
Classification: Likely benign. Last evaluated: 2017-11-03. Review status: criteria provided, single submitter. Criteria: EGL Classification Definitions 2015. Collection method: clinical testing. Allele origin: germline. Observed: 2 variant alleles, 2 heterozygotes.